The following is an entry in ClinVar:

NM_000492.4(CFTR):c.3710G>A (p.Gly1237Asp)

Genes: CFTR (CF transmembrane conductance regulator; plus strand), CFTR-AS2 (CFTR antisense RNA 2; minus strand). Cytogenetic location: 7q31.2.
Variant type: single nucleotide variant.
Coding change: c.3710G>A on transcript NM_000492.4 (MANE Select); coding-DNA position 3710, G replaced by A.
Protein change: p.Gly1237Asp; replaces glycine 1237 with aspartic acid.
Molecular consequence: missense variant.
Genome position (GRCh38, 1-based): chr7:117,627,763, G>A. VCF-style: chr7-117627763-G-A. GRCh37 (hg19) VCF-style: chr7-117267817-G-A.
Other names: short protein forms G1237D.
Identifiers: ClinVar variation 598723 (VCV000598723.20), dbSNP rs751474685, ClinGen allele CA4451518.
Genomic context (GRCh38, chr7:117,627,763, plus strand): 5'-CAAAATACACAGAAGGTGGAAATGCCATATTAGAGAACATTTCCTTCTCAATAAGTCCTG[G>A]CCAGAGGGTGAGATTTGAACACTGCTTGCTTTGTTAGACTGTGTTCAGTAAGTGAATCCC-3'
Protein context (NP_000483.3, residues 1227-1247): LENISFSISP[Gly1237Asp]QRVGLLGRTG

ClinVar aggregate classification (germline): Uncertain significance. Review status: criteria provided, multiple submitters, no conflicts (2 of 4 stars). 8 submissions from 8 submitters: Uncertain significance (7). 1 of the submissions does not count toward it. Last evaluated 2025-01-31.

Conditions:
Hereditary pancreatitis (PCTT). Also called: Hereditary chronic pancreatitis; PRSS1-Related Hereditary Pancreatitis. Identifiers: Orphanet 676, MedGen C0238339, MONDO:0008185, OMIM 167800.
Congenital bilateral aplasia of vas deferens from CFTR mutation (CBAVD). Identifiers: Orphanet 48, MedGen C0403814, MONDO:0010178, OMIM 277180. Disease mechanism: loss of function.
Cystic fibrosis (CF). Also called: MUCOVISCIDOSIS. Identifiers: Orphanet 586, MedGen C0010674, MONDO:0009061, OMIM 219700. Disease mechanism: loss of function.
Bronchiectasis with or without elevated sweat chloride 1 (BESC1). Also called: Cystic Fibrosis-Like Syndrome. Identifiers: Orphanet 60033, MedGen C2749757, MONDO:0008887, OMIM 211400.
CFTR-related disorder (CFTR-RD). Also called: CFTR-related disorders; CFTR-related condition. Identifiers: MedGen C5924204, MONDO:7770004.

Allele frequency attached by ClinVar (database versions not stated): gnomAD exomes 0.00001 and 0.00004; TOPMed 0.00001; gnomAD 0.00002; ExAC 0.00004.
gnomAD v4.1: 18 of 1,610,824 alleles (0.0011%); highest among the groups gnomAD compares: East Asian, 0.029%; no homozygotes.

Submissions (8):

Ambry Genetics
Classification: Uncertain significance for Cystic fibrosis. Last evaluated: 2025-01-31. Review status: criteria provided, single submitter. Criteria: Ambry Variant Classification Scheme 2023. Collection method: clinical testing. Allele origin: germline.
Comment: The p.G1237D variant (also known as c.3710G>A), located in coding exon 22 of the CFTR gene, results from a G to A substitution at nucleotide position 3710. The glycine at codon 1237 is replaced by aspartic acid, an amino acid with similar properties. This variant was identified in 1 of 1009 patients amongst a cohort of Chinese patients with a personal history of pancreatic ductal adenocarcinoma (Yin L et al. JAMA Netw Open, 2022 Feb;5:e2148721). This amino acid position is highly conserved in available vertebrate species. In addition, this alteration is predicted to be deleterious by in silico analysis. Based on the available evidence, the clinical significance of this variant remains unclear.

Labcorp Genetics (formerly Invitae), Labcorp
Classification: Uncertain significance for Cystic fibrosis. Last evaluated: 2024-11-06. Review status: criteria provided, single submitter. Criteria: Invitae Variant Classification Sherloc (09022015). Collection method: clinical testing. Allele origin: germline.
Comment: This sequence change replaces glycine, which is neutral and non-polar, with aspartic acid, which is acidic and polar, at codon 1237 of the CFTR protein (p.Gly1237Asp). This variant is present in population databases (rs751474685, gnomAD 0.05%). This missense change has been observed in individual(s) with CFTR-related conditions (PMID: 32357917, 32777524, 35171259). ClinVar contains an entry for this variant (Variation ID: 598723). Invitae Evidence Modeling of protein sequence and biophysical properties (such as structural, functional, and spatial information, amino acid conservation, physicochemical variation, residue mobility, and thermodynamic stability) indicates that this missense variant is expected to disrupt CFTR protein function with a positive predictive value of 80%. In summary, the available evidence is currently insufficient to determine the role of this variant in disease. Therefore, it has been classified as a Variant of Uncertain Significance.

Quest Diagnostics Nichols Institute San Juan Capistrano
Classification: Uncertain significance. Last evaluated: 2024-11-06. Review status: criteria provided, single submitter. Criteria: Quest Diagnostics criteria. Collection method: clinical testing. Allele origin: unknown.
Comment: The CFTR c.3710G>A (p.Gly1237Asp) variant has been reported in the published literature in individuals affected with congenital bilateral absence of the vas deferens (PMID: 32777524 (2021)), pancreatitis (PMID: 35171259 (2022)), and infertility (PMID: 32357917 (2020)). The frequency of this variant in the general population, 0.0007 (10/14386 chromosomes (Genome Aggregation Database)), is uninformative in the assessment of its pathogenicity. Analysis of this variant using bioinformatics tools for the prediction of the effect of amino acid changes on protein structure and function yielded predictions that this variant is damaging. Based on the available information, we are unable to determine the clinical significance of this variant.

Genome-Nilou Lab
Classification: Uncertain significance for Cystic fibrosis. Last evaluated: 2021-09-05. Review status: criteria provided, single submitter. Criteria: ACMG Guidelines, 2015. Collection method: clinical testing. Allele origin: germline. Affected: no.

Fulgent Genetics
Classification: Uncertain significance for Hereditary pancreatitis; Bronchiectasis with or without elevated sweat chloride 1; Cystic fibrosis; Congenital bilateral aplasia of vas deferens from CFTR mutation. Last evaluated: 2021-08-03. Review status: criteria provided, single submitter. Criteria: ACMG Guidelines, 2015. Collection method: clinical testing. Allele origin: unknown.

Eurofins Ntd Llc (ga)
Classification: Uncertain significance. Last evaluated: 2018-09-17. Review status: criteria provided, single submitter. Criteria: EGL ClinVar v180209 classification definitions. Collection method: clinical testing. Allele origin: germline. Observed: 1 variant allele, 1 heterozygote.

Juno Genomics, Hangzhou Juno Genomics, Inc
Classification: Uncertain significance for Bronchiectasis with or without elevated sweat chloride 1; Cystic fibrosis; Hereditary pancreatitis; Congenital bilateral aplasia of vas deferens from CFTR mutation. Review status: criteria provided, single submitter. Criteria: ACMG Guidelines, 2015. Collection method: clinical testing. Allele origin: germline.
Comment: Absent from controls (or at extremely low frequency if recessive) in Genome Aggregation Database.;Multiple lines of computational evidence support a deleterious effect on the gene or gene product.;Patient's phenotype or family history is highly specific for a disease with a single genetic etiology.

Natera, Inc.
Classification: Uncertain significance for CFTR-related disorders. Last evaluated: 2018-08-06. Review status: no assertion criteria provided. Collection method: clinical testing. Allele origin: germline. Not counted in ClinVar's aggregate classification.

Literature cited by the submitters: PubMed 35171259 (cited by 3 submitters); PubMed 32357917 (cited by Labcorp Genetics (formerly Invitae), Labcorp); PubMed 32777524 (cited by Labcorp Genetics (formerly Invitae), Labcorp); PubMed 33432171 (cited by Quest Diagnostics Nichols Institute San Juan Capistrano); PubMed 38515211 (cited by Quest Diagnostics Nichols Institute San Juan Capistrano).